The following is an entry in ClinVar:

NM_001005361.3(DNM2):c.1853C>A (p.Ala618Asp)

Gene: DNM2 (dynamin 2; plus strand). Cytogenetic location: 19p13.2.
Variant type: single nucleotide variant.
Coding change: c.1853C>A on transcript NM_001005361.3 (MANE Select); coding-DNA position 1853, C replaced by A.
Protein change: p.Ala618Asp; replaces alanine 618 with aspartic acid.
Molecular consequence: missense variant.
Genome position (GRCh38, 1-based): chr19:10,823,859, C>A. VCF-style: chr19-10823859-C-A. GRCh37 (hg19) VCF-style: chr19-10934535-C-A.
Other names: c.1853C>A, p.Ala618Asp (NM_001005360.3, NM_001190716.2); c.1841C>A, p.Ala614Asp (NM_001005362.3, NM_004945.4); short protein forms A618D, A614D.
Identifiers: ClinVar variation 465283 (VCV000465283.13), dbSNP rs1555715869, ClinGen allele CA404041082.
Genomic context (GRCh38, chr19:10,823,859, plus strand): 5'-AGGACCTGCGGCAGATCGAGCTGGCCTGTGACTCCCAGGAAGACGTGGACAGCTGGAAGG[C>A]CTCGTTCCTCCGAGCTGGCGTCTACCCCGAGAAGGACCAGGTGAGGAGCCGTCCTGCGCA-3'
Protein context (NP_001005361.1, residues 608-628): DSQEDVDSWK[Ala618Asp]SFLRAGVYPE

ClinVar aggregate classification (germline): Pathogenic. Review status: criteria provided, multiple submitters, no conflicts (2 of 4 stars). 3 submissions from 3 submitters: Pathogenic (2). 1 of the submissions does not count toward it. Last evaluated 2021-10-01.

Conditions:
Autosomal dominant centronuclear myopathy. Also called: Myopathy, centronuclear, 3; MYOTUBULAR MYOPATHY, AUTOSOMAL DOMINANT. Identifiers: Orphanet 169189, MedGen C4551952, MeSH D020914, MONDO:0008048, OMIM 160150.
Charcot-Marie-Tooth disease dominant intermediate B (CMTDIB). Also called: CHARCOT-MARIE-TOOTH NEUROPATHY, DOMINANT INTERMEDIATE B; Charcot-Marie-Tooth disease dominant intermediate 1; CMT DI1; Charcot-Marie-Tooth disease dominant intermediate I. Identifiers: Orphanet 100044, Orphanet 228179, MedGen C1847902, MONDO:0011674, OMIM 606482.

Submissions (3):

Laboratory of Medical Genetics, National & Kapodistrian University of Athens
Classification: Pathogenic for Autosomal dominant centronuclear myopathy. Last evaluated: 2021-10-01. Review status: criteria provided, single submitter. Criteria: ACMG Guidelines, 2015. Collection method: clinical testing. Allele origin: de novo. Affected: yes.
Comment: PS2, PM1, PM2, PM5, PP2, PP3, PP5

Labcorp Genetics (formerly Invitae), Labcorp
Classification: Pathogenic for Charcot-Marie-Tooth disease dominant intermediate B. Last evaluated: 2020-10-06. Review status: criteria provided, single submitter. Criteria: Invitae Variant Classification Sherloc (09022015). Collection method: clinical testing. Allele origin: germline.
Comment: For these reasons, this variant has been classified as Pathogenic. Algorithms developed to predict the effect of missense changes on protein structure and function are either unavailable or do not agree on the potential impact of this missense change (SIFT: "Deleterious"; PolyPhen-2: "Benign"; Align-GVGD: "Class C35"). This variant has been observed in several individuals affected with centronuclear myopathy including at least one individual in whom the variant was observed to be de novo (PMID: 19932619, Invitae). This variant is not present in population databases (ExAC no frequency). This sequence change replaces alanine with aspartic acid at codon 618 of the DNM2 protein (p.Ala618Asp). The alanine residue is highly conserved and there is a moderate physicochemical difference between alanine and aspartic acid.

Inherited Neuropathy Consortium Ii, University Of Miami
Classification: Uncertain significance for Charcot-Marie-Tooth disease dominant intermediate B. Last evaluated: 2016-01-06. Review status: no assertion criteria provided. Collection method: literature only. Allele origin: germline. Affected: yes. Not counted in ClinVar's aggregate classification.

Literature cited by the submitters: PubMed 34008892 (cited by Laboratory of Medical Genetics, National & Kapodistrian University of Athens); PubMed 19932619 (cited by Labcorp Genetics (formerly Invitae), Labcorp and Inherited Neuropathy Consortium Ii, University Of Miami).